The following is an entry in ClinVar:

NM_201384.3(PLEC):c.10043G>A (p.Arg3348Gln)

Gene: PLEC (plectin; minus strand). Cytogenetic location: 8q24.3.
Variant type: single nucleotide variant.
Coding change: c.10043G>A on transcript NM_201384.3 (MANE Select); coding-DNA position 10043, G replaced by A.
Protein change: p.Arg3348Gln; replaces arginine 3348 with glutamine.
Molecular consequence: missense variant.
Genome position (GRCh38, 1-based): chr8:143,919,778, C>T on the plus strand (G>A on the coding strand, the complement: PLEC is on the minus strand). VCF-style: chr8-143919778-C-T. GRCh37 (hg19) VCF-style: chr8-144993946-C-T.
Other names: c.10124G>A, p.Arg3375Gln (NM_000445.5); c.10001G>A, p.Arg3334Gln (NM_201378.4); c.9977G>A, p.Arg3326Gln (NM_201379.3); c.10454G>A, p.Arg3485Gln (NM_201380.4); c.9947G>A, p.Arg3316Gln (NM_201381.3); c.10043G>A, p.Arg3348Gln (NM_201382.4); c.10055G>A, p.Arg3352Gln (NM_201383.3); short protein forms R3316Q, R3326Q, R3334Q, R3348Q, R3352Q, R3375Q, R3485Q.
Identifiers: ClinVar variation 487327 (VCV000487327.15), dbSNP rs556517027, ClinGen allele CA4924775.

ClinVar aggregate classification (germline): Conflicting classifications of pathogenicity. Review status: criteria provided, conflicting classifications (1 of 4 stars). 3 submissions from 3 submitters: Uncertain significance (2); Likely benign (1). Last evaluated 2026-05-01.

Conditions:
Epidermolysis bullosa simplex 5C, with pyloric atresia (EBS5C). Also called: PLEC-Related Epidermolysis Bullosa with Pyloric Atresia; Epidermolysis bullosa simplex with pyloric atresia; PLEC1-Related Epidermolysis Bullosa with Pyloric Atresia. Identifiers: Orphanet 158684, MedGen C2677349, MONDO:0012807, OMIM 612138.
Epidermolysis bullosa simplex 5B, with muscular dystrophy (EBS5B). Also called: EPIDERMOLYSIS BULLOSA SIMPLEX AND LIMB-GIRDLE MUSCULAR DYSTROPHY; Epidermolysis bullosa simplex with muscular dystrophy. Identifiers: Orphanet 257, MedGen C2931072, MONDO:0009181, OMIM 226670.
Autosomal recessive limb-girdle muscular dystrophy type 2Q (LGMDR17). Also called: MUSCULAR DYSTROPHY, LIMB-GIRDLE, AUTOSOMAL RECESSIVE 17. Identifiers: Orphanet 254361, MedGen C3150989, MONDO:0013390, OMIM 613723.
Epidermolysis bullosa simplex with nail dystrophy (EBS5D). Identifiers: MedGen C4225309, MONDO:0014661, OMIM 616487.
Epidermolysis bullosa simplex, Ogna type (EBS5A). Also called: Pidermolysis bullosa simplex 5A, Ogna type; EPIDERMOLYSIS BULLOSA SIMPLEX 5A, OGNA TYPE. Identifiers: Orphanet 79401, MedGen C0432317, MONDO:0007555, OMIM 131950.

Allele frequency attached by ClinVar (database versions not stated): gnomAD 0.00008 and 0.00009; gnomAD exomes 0.00008 and 0.00014; ExAC 0.00009; TOPMed 0.00009; 1000 Genomes Project 0.00040; 1000 Genomes Project 30x 0.00047.

Submissions (3):

CeGaT Center for Human Genetics Tuebingen
Classification: Uncertain significance. Last evaluated: 2026-05-01. Review status: criteria provided, single submitter. Criteria: CeGaT Center For Human Genetics Tuebingen Variant Classification Criteria Version 2. Collection method: clinical testing. Allele origin: germline. Affected: yes. Observed: 1 variant allele.
Comment: PLEC: PM2, BP4

Labcorp Genetics (formerly Invitae), Labcorp
Classification: Likely benign for Autosomal recessive limb-girdle muscular dystrophy type 2Q; Epidermolysis bullosa simplex, Ogna type; Epidermolysis bullosa simplex with nail dystrophy; Epidermolysis bullosa simplex 5C, with pyloric atresia; Epidermolysis bullosa simplex 5B, with muscular dystrophy. Last evaluated: 2025-07-30. Review status: criteria provided, single submitter. Criteria: Invitae Variant Classification Sherloc (09022015). Collection method: clinical testing. Allele origin: germline.

Revvity Omics, Revvity
Classification: Uncertain significance. Last evaluated: 2019-06-12. Review status: criteria provided, single submitter. Criteria: ACMG Guidelines, 2015. Collection method: clinical testing. Allele origin: germline.